The following is an entry in ClinVar:

NM_001367721.1(CASK):c.1504-6del

Gene: CASK (calcium/calmodulin dependent serine protein kinase; minus strand). Cytogenetic location: Xp11.4.
Variant type: Deletion.
Coding change: c.1504-6del on transcript NM_001367721.1 (MANE Select); 6 bases into the intron before coding-DNA position 1504, one base deleted (T; older notation c.1504-6delT).
Molecular consequence: intron variant.
Genome position (GRCh38, 1-based): chrX:41,569,752, A deleted on the plus strand (T on the coding strand, the reverse complement: CASK is on the minus strand); the first of 10 consecutive A bases (chrX:41,569,752-41,569,761); deleting any one gives the same sequence. VCF-style (leftmost placement, unchanged base first): chrX-41569751-TA-T. GRCh37 (hg19) VCF-style: chrX-41429004-TA-T.
Other names: c.1486-6del (NM_001126055.3, NM_001410745.1); c.1504-6del (NM_001126054.3, NM_003688.4); c.1504-6delT (NM_003688.3).
Identifiers: ClinVar variation 1581134 (VCV001581134.32), dbSNP rs749321162, ClinGen allele CA10390185.

ClinVar aggregate classification (germline): Benign/Likely benign. Review status: criteria provided, multiple submitters, no conflicts (2 of 4 stars). 4 submissions from 4 submitters: Benign (1); Likely benign (3). Last evaluated 2025-09-16.

Conditions:
Intellectual disability, CASK-related, X-linked. Identifiers: MedGen CN043158.
Inborn genetic diseases. Identifiers: MedGen C0950123, MeSH D030342.

Submissions (4):

Labcorp Genetics (formerly Invitae), Labcorp
Classification: Benign for Intellectual disability, CASK-related, X-linked. Last evaluated: 2025-09-16. Review status: criteria provided, single submitter. Criteria: Invitae Variant Classification Sherloc (09022015). Collection method: clinical testing. Allele origin: germline.

Ambry Genetics
Classification: Likely benign for Inborn genetic diseases. Last evaluated: 2025-07-17. Review status: criteria provided, single submitter. Criteria: Ambry Variant Classification Scheme 2023. Collection method: clinical testing. Allele origin: germline.

Blueprint Genetics
Classification: Likely benign. Last evaluated: 2024-11-11. Review status: criteria provided, single submitter. Criteria: ACMG Guidelines, 2015. Collection method: clinical testing. Allele origin: germline.

CeGaT Center for Human Genetics Tuebingen
Classification: Likely benign. Last evaluated: 2024-03-01. Review status: criteria provided, single submitter. Criteria: CeGaT Center For Human Genetics Tuebingen Variant Classification Criteria Version 2. Collection method: clinical testing. Allele origin: germline. Affected: yes. Observed: 2 variant alleles.
Comment: CASK: BP4